The following is an entry in ClinVar:

ClinVar aggregate classification (germline): Likely benign (0 of 4 stars; one submission).

Conditions:
NRP2-related disorder. Also called: NRP2-related condition.

gnomAD v4.1: 11 of 1,608,934 alleles (0.00068%); highest among the groups gnomAD compares: Admixed American, 0.012%; no homozygotes.

Submission:

PreventionGenetics, part of Exact Sciences
Classification: Likely benign for NRP2-related condition. Last evaluated: 2023-06-29. Review status: no assertion criteria provided. Collection method: clinical testing. Allele origin: germline.
Comment: This variant is classified as likely benign based on ACMG/AMP sequence variant interpretation guidelines (Richards et al. 2015 PMID: 25741868, with internal and published modifications).

NM_003872.3(NRP2):c.1903+5G>A

Gene: NRP2 (neuropilin 2; plus strand). Cytogenetic location: 2q33.3.
Variant type: single nucleotide variant.
Coding change: c.1903+5G>A on transcript NM_003872.3 (MANE Select); 5 bases into the intron after coding-DNA position 1903, G replaced by A.
Molecular consequence: intron variant.
Genome position (GRCh38, 1-based): chr2:205,749,846, G>A. VCF-style: chr2-205749846-G-A. GRCh37 (hg19) VCF-style: chr2-206614570-G-A.
Other names: c.1903+5G>A (NM_201266.2, NM_201279.2, NM_018534.4 and 1 more transcripts).
Identifiers: ClinVar variation 3357192 (VCV003357192.1).